The following is an entry in ClinVar:

ClinVar aggregate classification (germline): Uncertain significance (1 of 4 stars; one submission).

Conditions:
Fibrous dysplasia of jaw (CRBM). Also called: Cherubism. Identifiers: Orphanet 184, MedGen C0008029, MONDO:0007315, OMIM 118400.

Allele frequency attached by ClinVar (database versions not stated): gnomAD exomes 0.00001; ExAC 0.00002; ESP Exome Variant Server 0.00008.
gnomAD v4.1: 24 of 1,610,744 alleles (0.0015%); highest among the groups gnomAD compares: East Asian, 0.0045%; no homozygotes.

Submission:

Labcorp Genetics (formerly Invitae), Labcorp
Classification: Uncertain significance for Fibrous dysplasia of jaw. Last evaluated: 2025-09-28. Review status: criteria provided, single submitter. Criteria: Invitae Variant Classification Sherloc (09022015). Collection method: clinical testing. Allele origin: germline.
Comment: This sequence change replaces arginine, which is basic and polar, with tryptophan, which is neutral and slightly polar, at codon 80 of the SH3BP2 protein (p.Arg80Trp). This variant is present in population databases (rs372066896, gnomAD 0.01%). This variant has not been reported in the literature in individuals affected with SH3BP2-related conditions. ClinVar contains an entry for this variant (Variation ID: 1383903). An algorithm developed to predict the effect of missense changes on protein structure and function (PolyPhen-2) suggests that this variant is likely to be disruptive. In summary, the available evidence is currently insufficient to determine the role of this variant in disease. Therefore, it has been classified as a Variant of Uncertain Significance.

NM_001122681.2(SH3BP2):c.238C>T (p.Arg80Trp)

Gene: SH3BP2 (SH3 domain binding protein 2; plus strand). Cytogenetic location: 4p16.3.
Variant type: single nucleotide variant.
Coding change: c.238C>T on transcript NM_001122681.2 (MANE Select); coding-DNA position 238, C replaced by T.
Protein change: p.Arg80Trp; replaces arginine 80 with tryptophan.
Molecular consequence: missense variant.
Genome position (GRCh38, 1-based): chr4:2,823,036, C>T. VCF-style: chr4-2823036-C-T. GRCh37 (hg19) VCF-style: chr4-2824763-C-T.
Other names: c.322C>T, p.Arg108Trp (NM_001145855.2); c.409C>T, p.Arg137Trp (NM_001145856.2); c.238C>T, p.Arg80Trp (NM_003023.4); short protein forms R137W, R80W, R108W.
Identifiers: ClinVar variation 1383903 (VCV001383903.8), dbSNP rs372066896, ClinGen allele CA2818945.
Genomic context (GRCh38, chr4:2,823,036, plus strand): 5'-TACTTCAAGAGTAGCACCTCTGCCTCCCCGCAGGGCGCCTTCTCCCTGAGTGGCTATAAC[C>T]GGTAAGTGCCCGACCTGCCTGCTGACCTCGGGCCCCCACAGCCAGCGGGTCCCTCCCAGC-3'
Protein context (NP_001116153.1, residues 70-90): QGAFSLSGYN[Arg80Trp]VMRAAEETTS